The following is an entry in ClinVar:

ClinVar aggregate classification (germline): Pathogenic (1 of 4 stars; one submission).

Allele frequency attached by ClinVar (database versions not stated): gnomAD 0.00001; gnomAD exomes 0.00001; TOPMed 0.00001.

Submission:

Labcorp Genetics (formerly Invitae), Labcorp
Classification: Pathogenic. Last evaluated: 2023-05-27. Review status: criteria provided, single submitter. Criteria: Invitae Variant Classification Sherloc (09022015). Collection method: clinical testing. Allele origin: germline.
Comment: This sequence change creates a premature translational stop signal (p.Gln144*) in the DUOX2 gene. It is expected to result in an absent or disrupted protein product. Loss-of-function variants in DUOX2 are known to be pathogenic (PMID: 12110737, 18765513, 21565790, 24423310, 24735383). This variant is not present in population databases (gnomAD no frequency). This variant has not been reported in the literature in individuals affected with DUOX2-related conditions. ClinVar contains an entry for this variant (Variation ID: 1418394). For these reasons, this variant has been classified as Pathogenic.

Literature cited by the submitters: PubMed 12110737; PubMed 18765513; PubMed 21565790; PubMed 24423310; PubMed 24735383.

NM_001363711.2(DUOX2):c.430C>T (p.Gln144Ter)

Gene: DUOX2 (dual oxidase 2; minus strand). Cytogenetic location: 15q21.1.
Variant type: single nucleotide variant.
Coding change: c.430C>T on transcript NM_001363711.2 (MANE Select); coding-DNA position 430, C replaced by T.
Protein change: p.Gln144Ter; replaces glutamine 144 with a stop codon.
Molecular consequence: nonsense.
Genome position (GRCh38, 1-based): chr15:45,111,851, G>A on the plus strand (C>T on the coding strand, the complement: DUOX2 is on the minus strand). VCF-style: chr15-45111851-G-A. GRCh37 (hg19) VCF-style: chr15-45404049-G-A.
Other names: c.430C>T, p.Gln144Ter (NM_014080.5); short protein forms Q144*.
Identifiers: ClinVar variation 1418394 (VCV001418394.6), dbSNP rs1173244456, ClinGen allele CA392279328.